The following is an entry in ClinVar:

ClinVar aggregate classification (germline): Uncertain significance (1 of 4 stars; one submission).

Allele frequency attached by ClinVar (database versions not stated): gnomAD 0.00001.
gnomAD v4.1: 4 of 1,576,854 alleles (0.00025%); highest among the groups gnomAD compares: South Asian, 0.0036%; no homozygotes.

Submission:

GeneDx
Classification: Uncertain significance. Last evaluated: 2022-09-02. Review status: criteria provided, single submitter. Criteria: GeneDx Variant Classification Process June 2021. Collection method: clinical testing. Allele origin: germline. Affected: yes.
Comment: Not observed at significant frequency in large population cohorts (gnomAD); In silico analysis supports that this missense variant does not alter protein structure/function; Has not been previously published as pathogenic or benign to our knowledge

NM_182948.4(PRKACB):c.245C>T (p.Thr82Ile)

Gene: PRKACB (protein kinase cAMP-activated catalytic subunit beta; plus strand). Cytogenetic location: 1p31.1.
Variant type: single nucleotide variant.
Coding change: c.245C>T on transcript NM_182948.4 (MANE Select); coding-DNA position 245, C replaced by T.
Protein change: p.Thr82Ile; replaces threonine 82 with isoleucine.
Molecular consequence: missense variant.
Genome position (GRCh38, 1-based): chr1:84,179,234, C>T. VCF-style: chr1-84179234-C-T. GRCh37 (hg19) VCF-style: chr1-84644917-C-T.
Other names: c.125C>T, p.Thr42Ile (NM_001242857.3, NM_001375569.1, NM_001375581.1); c.68C>T, p.Thr23Ile (NM_001242858.3, NM_001300917.2, NM_001375578.1); c.116C>T, p.Thr39Ile (NM_001242859.3, NM_001375572.1); c.122C>T, p.Thr41Ile (NM_001242860.3, NM_001300915.2, NM_001375571.1); c.113C>T, p.Thr38Ile (NM_001242861.3, NM_001375560.1, NM_001375573.1 and 1 more transcripts); c.245C>T, p.Thr82Ile (NM_001300916.2); c.98C>T, p.Thr33Ile (NM_001375561.1, NM_001375574.1, NM_001375577.1); c.101C>T, p.Thr34Ile (NM_001375562.1); and 4 more; short protein forms T22I, T23I, T30I, T31I, T33I, T34I, T35I, T38I.
Identifiers: ClinVar variation 2442578 (VCV002442578.1), dbSNP rs1662377427, ClinGen allele CA341106954.
Genomic context (GRCh38, chr1:84,179,234, plus strand): 5'-CAGTGAAAGAGTTTCTAGCCAAAGCCAAAGAAGACTTTTTGAAAAAATGGGAGAATCCAA[C>T]TCAGGTAAGGAATATTTAGATTTTTCTAAAATTAAAAATCTTGTATTAATAAAATCAGGA-3'
Protein context (NP_891993.1, residues 72-92): EDFLKKWENP[Thr82Ile]QNNAGLEDFE